The following is an entry in ClinVar:

NM_001852.4(COL9A2):c.1699C>G (p.Pro567Ala)

Gene: COL9A2 (collagen type IX alpha 2 chain; minus strand). Cytogenetic location: 1p34.2.
Variant type: single nucleotide variant.
Coding change: c.1699C>G on transcript NM_001852.4 (MANE Select); coding-DNA position 1699, C replaced by G.
Protein change: p.Pro567Ala; replaces proline 567 with alanine.
Molecular consequence: missense variant.
Genome position (GRCh38, 1-based): chr1:40,302,714, G>C on the plus strand (C>G on the coding strand, the complement: COL9A2 is on the minus strand). VCF-style: chr1-40302714-G-C. GRCh37 (hg19) VCF-style: chr1-40768386-G-C.
Other names: short protein forms P567A.
Identifiers: ClinVar variation 5001179 (VCV005001179.1).

ClinVar aggregate classification (germline): Uncertain significance (1 of 4 stars; one submission).

Conditions:
COL9A2-related disorder. Also called: COL9A2-related condition.

Submission:

PreventionGenetics, part of Exact Sciences
Classification: Uncertain significance for COL9A2-related condition. Last evaluated: 2025-06-10. Review status: criteria provided, single submitter. Criteria: ACMG Guidelines, 2015. Collection method: clinical testing. Allele origin: germline.
Comment: The COL9A2 c.1699C>G variant is predicted to result in the amino acid substitution p.Pro567Ala. To our knowledge, this variant has not been reported in the literature or in a large population database (gnomAD), indicating this variant is rare. At this time, the clinical significance of this variant is uncertain due to the absence of conclusive functional and genetic evidence.